The following is an entry in ClinVar:

NM_004168.4(SDHA):c.61G>A (p.Ala21Thr)

Gene: SDHA (succinate dehydrogenase complex flavoprotein subunit A; plus strand). Cytogenetic location: 5p15.33.
Variant type: single nucleotide variant.
Coding change: c.61G>A on transcript NM_004168.4 (MANE Select); coding-DNA position 61, G replaced by A.
Protein change: p.Ala21Thr; replaces alanine 21 with threonine.
Molecular consequence: missense variant.
Genome position (GRCh38, 1-based): chr5:218,416, G>A. VCF-style: chr5-218416-G-A. GRCh37 (hg19) VCF-style: chr5-218531-G-A.
Other names: c.61G>A (NM_004168.2); c.61G>A, p.Ala21Thr (NM_001294332.2, NM_001330758.2); short protein forms A21T.
Identifiers: ClinVar variation 472397 (VCV000472397.12), dbSNP rs1553996375, ClinGen allele CA359007466.

ClinVar aggregate classification (germline): Conflicting classifications of pathogenicity. Review status: criteria provided, conflicting classifications (1 of 4 stars). 2 submissions from 2 submitters: Uncertain significance (1); Likely benign (1). Last evaluated 2025-12-22.

Conditions:
Mitochondrial complex II deficiency, nuclear type 1. Also called: SUCCINATE CoQ REDUCTASE DEFICIENCY. Identifiers: Orphanet 3208, MedGen C5700310, MONDO:0100294, OMIM 252011.
Pheochromocytoma/paraganglioma syndrome 5. Also called: Paragangliomas 5; SDHA-Related Hereditary Paraganglioma-Pheochromocytoma Syndrome. Identifiers: Orphanet 29072, MedGen C3279992, MONDO:0013602, OMIM 614165.
Hereditary cancer-predisposing syndrome. Also called: Neoplastic Syndromes, Hereditary; Hereditary Cancer Syndrome; Hereditary neoplastic syndrome; Tumor predisposition. Identifiers: Orphanet 140162, MedGen C0027672, MeSH D009386, MONDO:0015356.

Submissions (2):

Labcorp Genetics (formerly Invitae), Labcorp
Classification: Uncertain significance for Pheochromocytoma/paraganglioma syndrome 5; Mitochondrial complex II deficiency, nuclear type 1. Last evaluated: 2025-12-22. Review status: criteria provided, single submitter. Criteria: Invitae Variant Classification Sherloc (09022015). Collection method: clinical testing. Allele origin: germline.
Comment: This sequence change replaces alanine, which is neutral and non-polar, with threonine, which is neutral and polar, at codon 21 of the SDHA protein (p.Ala21Thr). This variant is not present in population databases (gnomAD no frequency). This variant has not been reported in the literature in individuals affected with SDHA-related conditions. ClinVar contains an entry for this variant (Variation ID: 472397). An algorithm developed to predict the effect of missense changes on protein structure and function outputs the following: PolyPhen-2: "Benign". The threonine amino acid residue is found in multiple mammalian species, which suggests that this missense change does not adversely affect protein function. In summary, the available evidence is currently insufficient to determine the role of this variant in disease. Therefore, it has been classified as a Variant of Uncertain Significance.

Ambry Genetics
Classification: Likely benign for Hereditary cancer-predisposing syndrome. Last evaluated: 2024-10-25. Review status: criteria provided, single submitter. Criteria: Ambry Variant Classification Scheme 2023. Collection method: clinical testing. Allele origin: germline.